The following is an entry in ClinVar:

NM_152906.7(TANGO2):c.265+6G>A

Gene: TANGO2 (transport and golgi organization 2 homolog; plus strand). Cytogenetic location: 22q11.21.
Variant type: single nucleotide variant.
Coding change: c.265+6G>A on transcript NM_152906.7 (MANE Select); 6 bases into the intron after coding-DNA position 265, G replaced by A.
Molecular consequence: intron variant.
Genome position (GRCh38, 1-based): chr22:20,052,590, G>A. VCF-style: chr22-20052590-G-A. GRCh37 (hg19) VCF-style: chr22-20040113-G-A.
Other names: c.265+6G>A (NM_001283106.3, NM_001322163.2, NM_001283179.3 and 10 more transcripts); c.86+6G>A (NM_001322174.2, NM_001322172.2, NM_001322160.2 and 9 more transcripts); c.388+6G>A (NM_001322143.2, NM_001322145.2, NM_001322141.2 and 5 more transcripts).
Identifiers: ClinVar variation 1374554 (VCV001374554.3), dbSNP rs1262504354, ClinGen allele CA638376166.
Genomic context (GRCh38, chr22:20,052,590, plus strand): 5'-GCAGCACTCACCAACTACCTGCAGCCGCAGCTGGACTGGCAGGCCCGAGGGCGAGGTAAG[G>A]CGAGTGGGGTGGGGCCAAGGTGAGACAGGGTGGGGTGGGGCAGGCCTAGGTGAGACAAGG-3'

ClinVar aggregate classification (germline): Uncertain significance (1 of 4 stars; one submission).

Allele frequency attached by ClinVar (database versions not stated): gnomAD exomes 0.00001.
gnomAD v4.1: 13 of 1,558,584 alleles (0.00083%); highest among the groups gnomAD compares: Non-Finnish European, 0.0011%; no homozygotes.

Submission:

Labcorp Genetics (formerly Invitae), Labcorp
Classification: Uncertain significance. Last evaluated: 2022-03-01. Review status: criteria provided, single submitter. Criteria: Invitae Variant Classification Sherloc (09022015). Collection method: clinical testing. Allele origin: germline.
Comment: This sequence change falls in intron 4 of the TANGO2 gene. It does not directly change the encoded amino acid sequence of the TANGO2 protein. It affects a nucleotide within the consensus splice site. This variant is present in population databases (no rsID available, gnomAD 0.009%). This variant has not been reported in the literature in individuals affected with TANGO2-related conditions. Variants that disrupt the consensus splice site are a relatively common cause of aberrant splicing (PMID: 17576681, 9536098). Algorithms developed to predict the effect of sequence changes on RNA splicing suggest that this variant is not likely to affect RNA splicing. In summary, the available evidence is currently insufficient to determine the role of this variant in disease. Therefore, it has been classified as a Variant of Uncertain Significance.

Literature cited by the submitters: PubMed 17576681; PubMed 9536098.